The following is an entry in ClinVar:

NM_006231.4(POLE):c.6454G>A (p.Val2152Met)

Gene: POLE (DNA polymerase epsilon, catalytic subunit; minus strand). Cytogenetic location: 12q24.33.
Variant type: single nucleotide variant.
Coding change: c.6454G>A on transcript NM_006231.4 (MANE Select); coding-DNA position 6454, G replaced by A.
Protein change: p.Val2152Met; replaces valine 2152 with methionine.
Molecular consequence: missense variant.
Genome position (GRCh38, 1-based): chr12:132,626,194, C>T on the plus strand (G>A on the coding strand, the complement: POLE is on the minus strand). VCF-style: chr12-132626194-C-T. GRCh37 (hg19) VCF-style: chr12-133202780-C-T.
Other names: short protein forms V2152M.
Identifiers: ClinVar variation 540744 (VCV000540744.19), dbSNP rs138789360, ClinGen allele CA6892174.

ClinVar aggregate classification (germline): Uncertain significance. Review status: criteria provided, multiple submitters, no conflicts (2 of 4 stars). 6 submissions from 6 submitters: Uncertain significance (6). Last evaluated 2026-01-13.

Conditions:
Hereditary cancer-predisposing syndrome. Also called: Neoplastic Syndromes, Hereditary; Hereditary Cancer Syndrome; Hereditary neoplastic syndrome; Tumor predisposition. Identifiers: Orphanet 140162, MedGen C0027672, MeSH D009386, MONDO:0015356.
Facial dysmorphism-immunodeficiency-livedo-short stature syndrome. Also called: Facial dysmorphism, immunodeficiency, livedo, and short stature; FILS syndrome. Identifiers: Orphanet 352712, MedGen C3554576, MONDO:0014058, OMIM 615139.
Colorectal cancer, susceptibility to, 12 (CRCS12). Also called: COLORECTAL CANCER, SUSCEPTIBILITY TO, ON CHROMOSOME 12q24. Identifiers: Orphanet 220460, MedGen C3554460, MONDO:0014038, OMIM 615083.
Intrauterine growth retardation, metaphyseal dysplasia, adrenal hypoplasia congenita, genital anomalies, and immunodeficiency. Also called: IMAGEI SYNDROME. Identifiers: MedGen C5193036, MONDO:0032684, OMIM 618336.

Allele frequency attached by ClinVar (database versions not stated): gnomAD exomes 0.00004; ExAC 0.00008; ESP Exome Variant Server 0.00008; TOPMed 0.00009; gnomAD 0.00010; 1000 Genomes Project 0.00020; 1000 Genomes Project 30x 0.00031.
gnomAD v4.1: 40 of 1,613,618 alleles (0.0025%); highest among the groups gnomAD compares: African/African-American, 0.023%; no homozygotes.

Submissions (6):

Labcorp Genetics (formerly Invitae), Labcorp
Classification: Uncertain significance. Last evaluated: 2026-01-13. Review status: criteria provided, single submitter. Criteria: Invitae Variant Classification Sherloc (09022015). Collection method: clinical testing. Allele origin: germline.
Comment: This sequence change replaces valine, which is neutral and non-polar, with methionine, which is neutral and non-polar, at codon 2152 of the POLE protein (p.Val2152Met). This variant is present in population databases (rs138789360, gnomAD 0.03%). This missense change has been observed in individual(s) with colorectal cancer or breast cancer (PMID: 29212164, 36315513). ClinVar contains an entry for this variant (Variation ID: 540744). Invitae Evidence Modeling of protein sequence and biophysical properties (such as structural, functional, and spatial information, amino acid conservation, physicochemical variation, residue mobility, and thermodynamic stability) indicates that this missense variant is not expected to disrupt POLE protein function with a negative predictive value of 80%. In summary, the available evidence is currently insufficient to determine the role of this variant in disease. Therefore, it has been classified as a Variant of Uncertain Significance.

Ambry Genetics
Classification: Uncertain significance for Hereditary cancer-predisposing syndrome. Last evaluated: 2025-09-03. Review status: criteria provided, single submitter. Criteria: Ambry Variant Classification Scheme 2023. Collection method: clinical testing. Allele origin: germline.
Comment: The p.V2152M variant (also known as c.6454G>A), located in coding exon 46 of the POLE gene, results from a G to A substitution at nucleotide position 6454. The valine at codon 2152 is replaced by methionine, an amino acid with highly similar properties. This amino acid position is well conserved in available vertebrate species. In addition, this alteration is predicted to be tolerated by in silico analysis. Based on the available evidence, the clinical significance of this variant remains unclear.

Fulgent Genetics
Classification: Uncertain significance for Colorectal cancer, susceptibility to, 12; Facial dysmorphism-immunodeficiency-livedo-short stature syndrome; Intrauterine growth retardation, metaphyseal dysplasia, adrenal hypoplasia congenita, genital anomalies, and immunodeficiency. Last evaluated: 2024-06-17. Review status: criteria provided, single submitter. Criteria: ACMG Guidelines, 2015. Collection method: clinical testing. Allele origin: germline.

GeneDx
Classification: Uncertain significance. Last evaluated: 2022-07-17. Review status: criteria provided, single submitter. Criteria: GeneDx Variant Classification Process June 2021. Collection method: clinical testing. Allele origin: germline. Affected: yes.
Comment: In silico analysis supports that this missense variant does not alter protein structure/function; Observed in an individual with colorectal cancer (Raskin et al., 2017); This variant is associated with the following publications: (PMID: 29212164, 25228659, 19296856)

Sema4
Classification: Uncertain significance for Hereditary cancer-predisposing syndrome. Last evaluated: 2021-05-20. Review status: criteria provided, single submitter. Criteria: Sema4 Curation Guidelines. Collection method: curation. Allele origin: germline.
Comment: The POLE c.6454G>A (p.V2152M) variant has been reported in an individual with colon cancer (PMID: 29212164). This variant was observed in 6/24856 chromosomes of the African/African American population of the Genome Aggregation Database (PMID: 32461654). The subpopulation frequency of this variant is higher than expected for a pathogenic variant based on disease/syndrome prevalence and penetrance. This variant has been reported in ClinVar (Variation ID: 540744). In silico tools suggest the impact of the variant on protein function is inconclusive, though these predictions have not been confirmed by functional studies. The overall evidence is insufficient to meet ACMG/AMP criteria for classifying it as benign or pathogenic. In summary, the clinical significance of this variant is currently uncertain.

Quest Diagnostics Nichols Institute San Juan Capistrano
Classification: Uncertain significance. Last evaluated: 2020-03-05. Review status: criteria provided, single submitter. Criteria: Quest Diagnostics criteria. Collection method: clinical testing. Allele origin: unknown.

Literature cited by the submitters: PubMed 29212164 (cited by 3 submitters); PubMed 36315513 (cited by Labcorp Genetics (formerly Invitae), Labcorp).